The following is an entry in ClinVar:

NM_007259.5(VPS45):c.-4C>T

Gene: VPS45 (vacuolar protein sorting 45 homolog; plus strand). Cytogenetic location: 1q21.2.
Variant type: single nucleotide variant.
Coding change: c.-4C>T on transcript NM_007259.5 (MANE Select); 4 bases upstream of the start codon, C replaced by T.
Molecular consequence: 5 prime UTR variant. On other transcripts: non-coding transcript variant (1), intron variant (1).
Genome position (GRCh38, 1-based): chr1:150,067,854, C>T. VCF-style: chr1-150067854-C-T. GRCh37 (hg19) VCF-style: chr1-150039911-C-T.
Other names: c.-132C>T (NM_001279354.2); c.-16+248C>T (NM_001279353.2); c.-4C>T (NM_007259.4).
Identifiers: ClinVar variation 991390 (VCV000991390.7), dbSNP rs200563209, ClinGen allele CA1073015.
Genomic context (GRCh38, chr1:150,067,854, plus strand): 5'-TGGGGGTTAATTTAGCCAGAAAAGGGGGCGGGAAGGGCTGTAGGGTACTTGTCAATTCGC[C>T]GCCATGAACGTGGTTTTTGCTGTGAAGCAGTACATTTCCAAAATGATAGAGGACAGCGGG-3'

ClinVar aggregate classification (germline): Uncertain significance. Review status: criteria provided, single submitter (1 of 4 stars). 3 submissions from 3 submitters: Uncertain significance (1). 2 of the submissions do not count toward it. Last evaluated 2018-01-24.

Conditions:
VPS45-related disorder. Also called: VPS45-related condition.
Congenital neutropenia-myelofibrosis-nephromegaly syndrome. Also called: Severe congenital neutropenia 5, autosomal recessive. Identifiers: Orphanet 369852, MedGen C3809031, MONDO:0014118, OMIM 615285.

Allele frequency attached by ClinVar (database versions not stated): TOPMed 0.00011; gnomAD 0.00023 and 0.00026; gnomAD exomes 0.00028 and 0.00035; ExAC 0.00045; ESP Exome Variant Server 0.00046.
gnomAD v4.1: 440 of 1,613,814 alleles (0.027%); highest among the groups gnomAD compares: Non-Finnish European, 0.029%; 1 homozygote.

Submissions (3):

Genetic Services Laboratory, University of Chicago
Classification: Uncertain significance. Last evaluated: 2018-01-24. Review status: criteria provided, single submitter. Criteria: ACMG Guidelines, 2015. Collection method: clinical testing. Allele origin: germline. Affected: no.

Natera, Inc.
Classification: Uncertain significance for Autosomal recessive severe congenital neutropenia 5. Last evaluated: 2020-10-16. Review status: no assertion criteria provided. Collection method: clinical testing. Allele origin: germline. Not counted in ClinVar's aggregate classification.

PreventionGenetics, part of Exact Sciences
Classification: Likely benign for VPS45-related condition. Last evaluated: 2020-03-16. Review status: no assertion criteria provided. Collection method: clinical testing. Allele origin: germline. Not counted in ClinVar's aggregate classification.
Comment: This variant is classified as likely benign based on ACMG/AMP sequence variant interpretation guidelines (Richards et al. 2015 PMID: 25741868, with internal and published modifications).